The following is an entry in ClinVar:

NM_021942.6(TRAPPC11):c.770T>G (p.Leu257Trp)

Gene: TRAPPC11 (trafficking protein particle complex subunit 11; plus strand). Cytogenetic location: 4q35.1.
Variant type: single nucleotide variant.
Coding change: c.770T>G on transcript NM_021942.6 (MANE Select); coding-DNA position 770, T replaced by G.
Protein change: p.Leu257Trp; replaces leucine 257 with tryptophan.
Molecular consequence: missense variant.
Genome position (GRCh38, 1-based): chr4:183,677,493, T>G. VCF-style: chr4-183677493-T-G. GRCh37 (hg19) VCF-style: chr4-184598646-T-G.
Other names: c.770T>G, p.Leu257Trp (NM_199053.3); short protein forms L257W.
Identifiers: ClinVar variation 1428597 (VCV001428597.5), dbSNP rs2111340189, ClinGen allele CA358861859.

ClinVar aggregate classification (germline): Uncertain significance (1 of 4 stars; one submission).

Conditions:
Autosomal recessive limb-girdle muscular dystrophy type R18 (LGMDR18). Also called: Limb-girdle muscular dystrophy, type 2S; MUSCULAR DYSTROPHY, LIMB-GIRDLE, AUTOSOMAL RECESSIVE 18; Autosomal recessive limb-girdle muscular dystrophy type 2S. Identifiers: Orphanet 369840, MedGen C4517996, MONDO:0014144, OMIM 615356.

Allele frequency attached by ClinVar (database versions not stated): gnomAD exomes 0.00002.
gnomAD v4.1: 21 of 1,609,070 alleles (0.0013%); highest among the groups gnomAD compares: Non-Finnish European, 0.0018%; no homozygotes.

Submission:

Labcorp Genetics (formerly Invitae), Labcorp
Classification: Uncertain significance for Autosomal recessive limb-girdle muscular dystrophy type R18. Last evaluated: 2021-12-03. Review status: criteria provided, single submitter. Criteria: Invitae Variant Classification Sherloc (09022015). Collection method: clinical testing. Allele origin: germline.
Comment: In summary, the available evidence is currently insufficient to determine the role of this variant in disease. Therefore, it has been classified as a Variant of Uncertain Significance. This sequence change replaces leucine, which is neutral and non-polar, with tryptophan, which is neutral and slightly polar, at codon 257 of the TRAPPC11 protein (p.Leu257Trp). This variant is not present in population databases (gnomAD no frequency). This variant has not been reported in the literature in individuals affected with TRAPPC11-related conditions. Algorithms developed to predict the effect of missense changes on protein structure and function are either unavailable or do not agree on the potential impact of this missense change (SIFT: "Deleterious"; PolyPhen-2: "Possibly Damaging"; Align-GVGD: "Class C0").